The following is an entry in ClinVar:

NM_000169.3(GLA):c.610T>C (p.Trp204Arg)

Genes: GLA (galactosidase alpha; minus strand), RPL36A-HNRNPH2 (RPL36A-HNRNPH2 readthrough; plus strand). Cytogenetic location: Xq22.1.
Variant type: single nucleotide variant.
Coding change: c.610T>C on transcript NM_000169.3 (MANE Select); coding-DNA position 610, T replaced by C.
Protein change: p.Trp204Arg; replaces tryptophan 204 with arginine.
Molecular consequence: missense variant. On other transcripts: non-coding transcript variant (2), intron variant (2).
Genome position (GRCh38, 1-based): chrX:101,400,695, A>G on the plus strand (T>C on the coding strand, the complement: GLA is on the minus strand). VCF-style: chrX-101400695-A-G. GRCh37 (hg19) VCF-style: chrX-100655683-A-G.
Other names: c.733T>C, p.Trp245Arg (NM_001406747.1); c.610T>C, p.Trp204Arg (NM_001406748.1); c.300+5238A>G (NM_001199973.2); c.177+8873A>G (NM_001199974.2); short protein forms W204R, W245R.
Identifiers: ClinVar variation 217390 (VCV000217390.10), dbSNP rs869312148, ClinGen allele CA353155.

ClinVar aggregate classification (germline): Pathogenic/Likely pathogenic. Review status: criteria provided, multiple submitters, no conflicts (2 of 4 stars). 5 submissions from 4 submitters: Pathogenic (1); Likely pathogenic (2). 2 of the submissions do not count toward it. Last evaluated 2026-09-08.

Conditions:
Fabry disease. Also called: ALPHA-GALACTOSIDASE A DEFICIENCY; ANDERSON-FABRY DISEASE; CERAMIDE TRIHEXOSIDASE DEFICIENCY; Fabry's disease; Angiokeratoma corporis diffusum; Ceramide trihexosidosis. Identifiers: Orphanet 324, MedGen C0002986, MONDO:0010526, OMIM 301500, HP:0001071. Disease mechanism: loss of function, Fabry disease is due to inactivating mutations in the X-linked GLA gene resulting in deficiency of the enzyme Alpha Galactosidase-A..
Migalastat response. Also called: 1-Deoxygalactonojirimycin response; Galafold response. Identifiers: MedGen CN233149.

Submissions (5):

Genomenon, Inc
Classification: Pathogenic for Fabry disease. Last evaluated: 2026-09-08. Review status: criteria provided, single submitter. Criteria: Genomenon Sequence Variant Interpretation Standards - Updated. Collection method: curation. Allele origin: germline. Affected: yes.
Comment: GLA p.Trp204Arg (c.610T>C) is a missense variant that changes the amino acid at codon 204 from Tryptophan to Arginine. This variant has been observed in at least one proband with clinical features consistent with Fabry disease (PMID:26415523;34354036;32590976;37542614). At least one functional study has demonstrated a substantial alteration in protein function relative to the wild-type (PMID:26415523). This variant is located in a mutational hotspot and/or important functional domain. It is absent or not present at a significant frequency in gnomAD. In silico models predict that this variant is possibly or probably damaging. In conclusion, we classify GLA p.Trp204Arg (c.610T>C) as a pathogenic variant.

Biochemistry Metabolomics and Proteomics Laboratory, Necker Enfants Malades Hospital
Classification: Likely pathogenic for Fabry disease. Last evaluated: 2020-01-08. Review status: criteria provided, single submitter. Criteria: ACMG Guidelines, 2015. Collection method: clinical testing. Allele origin: de novo. Affected: yes. Observed: 1 hemizygote.
Comment: Expression study of the c.610T>C variant showed an enzymatic activity around 0 and an absence of responsiveness to pharmacological chaperone (Lukas et al. Hum Mutat 2016, 37: 43). The variant reported 3 times in ClinVar was not found in population database such as GnomAD. Multiple lines of computational evidence support a deleterious effect on the gene or gene product : highly conserved nucleotide, highly conserved amino acid on 10 species up to domestic mosquito, variant considered as deleterious according to PolyPhen (probably damaging, score 1) and SIFT (predict not tolerated).

Eurofins Ntd Llc (ga)
Classification: Likely pathogenic. Last evaluated: 2017-04-11. Review status: criteria provided, single submitter. Criteria: EGL Classification Definitions 2015. Collection method: clinical testing. Allele origin: germline. Observed: 1 variant allele, 1 heterozygote.

Albrecht-Kossel-Institute, Medical University Rostock
Classification: Pathogenic for Fabry's disease. Last evaluated: 2014-01-01. Review status: no assertion criteria provided. Collection method: research. Allele origin: inherited. Not counted in ClinVar's aggregate classification.

Albrecht-Kossel-Institute, Medical University Rostock
Classification: drug response for deoxygalactonojirimycin response. Last evaluated: 2014-01-01. Review status: no assertion criteria provided. Collection method: research. Allele origin: inherited. Not counted in ClinVar's aggregate classification.

Literature cited by the submitters: PubMed 26415523 (cited by Genomenon, Inc and Albrecht-Kossel-Institute, Medical University Rostock); PubMed 34354036 (cited by Genomenon, Inc); PubMed 32590976 (cited by Genomenon, Inc); PubMed 37542614 (cited by Genomenon, Inc).